The following is an entry in ClinVar:

NM_000153.4(GALC):c.1671-3C>T

Gene: GALC (galactosylceramidase; minus strand). Cytogenetic location: 14q31.3.
Variant type: single nucleotide variant.
Coding change: c.1671-3C>T on transcript NM_000153.4 (MANE Select); 3 bases into the intron before coding-DNA position 1671, C replaced by T.
Molecular consequence: intron variant.
Genome position (GRCh38, 1-based): chr14:87,941,561, G>A on the plus strand (C>T on the coding strand, the complement: GALC is on the minus strand). VCF-style: chr14-87941561-G-A. GRCh37 (hg19) VCF-style: chr14-88407905-G-A.
Other names: c.1038-3C>T (NM_001424076.1, NM_001424077.1); c.1593-3C>T (NM_001201402.2); c.1602-3C>T (NM_001201401.2); c.1323-3C>T (NM_001424075.1, NM_001424074.1); c.1503-3C>T (NM_001424072.1, NM_001424073.1, NM_001424071.1).
Identifiers: ClinVar variation 3730277 (VCV003730277.2).

ClinVar aggregate classification (germline): Uncertain significance (1 of 4 stars; one submission).

Conditions:
Galactosylceramide beta-galactosidase deficiency. Also called: Leukodystrophy, Globoid Cell; Krabbe Disease; GALACTOCEREBROSIDASE DEFICIENCY; GALC DEFICIENCY; GLOBOID CELL LEUKOENCEPHALOPATHY. Identifiers: Orphanet 487, MedGen C0023521, MONDO:0009499, OMIM 245200.

gnomAD v4.1: 5 of 1,561,892 alleles (0.00032%); highest among the groups gnomAD compares: East Asian, 0.011%; no homozygotes.

Submission:

Labcorp Genetics (formerly Invitae), Labcorp
Classification: Uncertain significance for Galactosylceramide beta-galactosidase deficiency. Last evaluated: 2024-10-22. Review status: criteria provided, single submitter. Criteria: Invitae Variant Classification Sherloc (09022015). Collection method: clinical testing. Allele origin: germline.
Comment: This sequence change falls in intron 14 of the GALC gene. It does not directly change the encoded amino acid sequence of the GALC protein. It affects a nucleotide within the consensus splice site. This variant is present in population databases (rs755827044, gnomAD 0.02%). This variant has not been reported in the literature in individuals affected with GALC-related conditions. Variants that disrupt the consensus splice site are a relatively common cause of aberrant splicing (PMID: 17576681, 9536098). Algorithms developed to predict the effect of sequence changes on RNA splicing suggest that this variant is not likely to affect RNA splicing. In summary, the available evidence is currently insufficient to determine the role of this variant in disease. Therefore, it has been classified as a Variant of Uncertain Significance.

Literature cited by the submitters: PubMed 17576681; PubMed 9536098.